The following is an entry in ClinVar:

ClinVar aggregate classification (germline): Uncertain significance (1 of 4 stars; one submission).

Submission:

GeneDx
Classification: Uncertain significance. Last evaluated: 2025-08-14. Review status: criteria provided, single submitter. Criteria: GeneDx Variant Classification Process June 2021. Collection method: clinical testing. Allele origin: germline. Affected: yes.
Comment: Not observed at significant frequency in large population cohorts (gnomAD); In silico analysis supports that this missense variant has a deleterious effect on protein structure/function; Has not been previously published as pathogenic or benign to our knowledge

NM_001394998.1(TANC2):c.2464C>T (p.Leu822Phe)

Gene: TANC2 (tetratricopeptide repeat, ankyrin repeat and coiled-coil containing 2; plus strand). Cytogenetic location: 17q23.3.
Variant type: single nucleotide variant.
Coding change: c.2464C>T on transcript NM_001394998.1 (MANE Select); coding-DNA position 2464, C replaced by T.
Protein change: p.Leu822Phe; replaces leucine 822 with phenylalanine.
Molecular consequence: missense variant.
Genome position (GRCh38, 1-based): chr17:63,355,272, C>T. VCF-style: chr17-63355272-C-T. GRCh37 (hg19) VCF-style: chr17-61432633-C-T.
Other names: c.2242C>T, p.Leu748Phe (NM_001411076.1, NM_025185.4); short protein forms L748F, L822F.
Identifiers: ClinVar variation 4795307 (VCV004795307.1).